The following is an entry in ClinVar:

ClinVar aggregate classification (germline): Uncertain significance. Review status: criteria provided, single submitter (1 of 4 stars). 2 submissions from 2 submitters: Uncertain significance (1). 1 of the submissions does not count toward it. Last evaluated 2024-04-11.

Conditions:
PLXNA2-related disorder. Also called: PLXNA2-related condition.

gnomAD v4.1: 27 of 1,613,966 alleles (0.0017%); highest among the groups gnomAD compares: Admixed American, 0.017%; no homozygotes.

Submissions (2):

Labcorp Genetics (formerly Invitae), Labcorp
Classification: Uncertain significance. Last evaluated: 2024-04-11. Review status: criteria provided, single submitter. Criteria: Invitae Variant Classification Sherloc (09022015). Collection method: clinical testing. Allele origin: germline.
Comment: This sequence change replaces alanine, which is neutral and non-polar, with threonine, which is neutral and polar, at codon 1454 of the PLXNA2 protein (p.Ala1454Thr). This variant is present in population databases (no rsID available, gnomAD 0.01%). This variant has not been reported in the literature in individuals affected with PLXNA2-related conditions. Advanced modeling of protein sequence and biophysical properties (such as structural, functional, and spatial information, amino acid conservation, physicochemical variation, residue mobility, and thermodynamic stability) has been performed at Invitae for this missense variant, however the output from this modeling did not meet the statistical confidence thresholds required to predict the impact of this variant on PLXNA2 protein function. In summary, the available evidence is currently insufficient to determine the role of this variant in disease. Therefore, it has been classified as a Variant of Uncertain Significance.

PreventionGenetics, part of Exact Sciences
Classification: Uncertain significance for PLXNA2-related condition. Last evaluated: 2024-08-30. Review status: no assertion criteria provided. Collection method: clinical testing. Allele origin: germline. Not counted in ClinVar's aggregate classification.
Comment: The PLXNA2 c.4360G>A variant is predicted to result in the amino acid substitution p.Ala1454Thr. To our knowledge, this variant has not been reported in the literature. This variant is reported in 0.012% of alleles in individuals of Latino descent in gnomAD. At this time, the clinical significance of this variant is uncertain due to the absence of conclusive functional and genetic evidence.

NM_025179.4(PLXNA2):c.4360G>A (p.Ala1454Thr)

Gene: PLXNA2 (plexin A2; minus strand). Cytogenetic location: 1q32.2.
Variant type: single nucleotide variant.
Coding change: c.4360G>A on transcript NM_025179.4 (MANE Select); coding-DNA position 4360, G replaced by A.
Protein change: p.Ala1454Thr; replaces alanine 1454 with threonine.
Molecular consequence: missense variant.
Genome position (GRCh38, 1-based): chr1:208,039,761, C>T on the plus strand (G>A on the coding strand, the complement: PLXNA2 is on the minus strand). VCF-style: chr1-208039761-C-T. GRCh37 (hg19) VCF-style: chr1-208213106-C-T.
Other names: c.4360G>A (NM_025179.3); short protein forms A1454T.
Identifiers: ClinVar variation 2991269 (VCV002991269.4), dbSNP rs767473837, ClinGen allele CA36695702.